The following is an entry in ClinVar:

ClinVar aggregate classification (germline): Likely pathogenic (1 of 4 stars; one submission).

Conditions:
Severe X-linked myotubular myopathy (CNMX). Also called: X-linked centronuclear myopathy; MYOTUBULAR MYOPATHY 1; Myotubular myopathy, X-linked. Identifiers: Orphanet 596, MedGen C0410203, MONDO:0010683, OMIM 310400.

Submission:

MGZ Medical Genetics Center
Classification: Likely pathogenic for Severe X-linked myotubular myopathy. Last evaluated: 2021-08-04. Review status: criteria provided, single submitter. Criteria: ACMG Guidelines, 2015. Collection method: clinical testing. Allele origin: germline. Affected: yes. Observed: 1 variant allele.
Comment: ACMG criteria applied: PVS1, PM2_SUP

NM_000252.3(MTM1):c.100del (p.Ala34fs)

Gene: MTM1 (myotubularin 1; plus strand). Cytogenetic location: Xq28.
Variant type: Deletion.
Coding change: c.100del on transcript NM_000252.3 (MANE Select); coding-DNA position 100, one base deleted (G; older notation c.100delG).
Protein change: p.Ala34fs; shifts the reading frame from alanine 34.
Molecular consequence: frameshift variant.
Genome position (GRCh38, 1-based): chrX:150,596,534, G deleted; the last of 2 consecutive G bases (chrX:150,596,533-150,596,534); deleting either gives the same sequence. VCF-style (leftmost placement, unchanged base first): chrX-150596532-AG-A. GRCh37 (hg19) VCF-style: chrX-149764996-AG-A.
Other names: c.100del, p.Ala34fs (NM_001376906.1, NM_001376907.1, NM_001376908.1); short protein forms A34fs.
Identifiers: ClinVar variation 1709867 (VCV001709867.2), dbSNP rs2522122969, ClinGen allele CA2580101630.